The following is an entry in ClinVar:

ClinVar aggregate classification (germline): Pathogenic. Review status: criteria provided, single submitter (1 of 4 stars). 2 submissions from 2 submitters: Pathogenic (1). 1 of the submissions does not count toward it. Last evaluated 2018-06-28.

Conditions:
Neurodevelopmental disorder with hypotonia, neuropathy, and deafness (NEDHND). Also called: Myopathy, congenital, with neuropathy and deafness; SPTBN4 Disorder. Identifiers: MedGen C4479603, MONDO:0060496, OMIM 617519.

gnomAD v4.1: 1 of 1,613,946 alleles (0.000062%); no homozygotes.

Submissions (2):

GeneDx
Classification: Pathogenic. Last evaluated: 2018-06-28. Review status: criteria provided, single submitter. Criteria: GeneDx Variant Classification (06012015). Collection method: clinical testing. Allele origin: germline. Affected: yes.
Comment: The E1274X variant in the SPTBN4 gene has been reported previously in the homozygous state in multiple affected individuals from the same family with congenital hypotonia, global developmental delay, cortical visual impairment, and respiratory difficulties (Wang et al., 2018). This variant is predicted to cause loss of normal protein function either through protein truncation or nonsense-mediated mRNA decay, and published functional studies confirmed that E1274X disrupts spectrin protein function (Wang et al., 2018). The E1274X variant is not observed in large population cohorts (Lek et al., 2016). We interpret E1274X as a pathogenic variant.

OMIM
Classification: Pathogenic for NEURODEVELOPMENTAL DISORDER WITH HYPOTONIA, NEUROPATHY, AND DEAFNESS. Last evaluated: 2018-08-13. Review status: no assertion criteria provided. Collection method: literature only. Allele origin: germline. Not counted in ClinVar's aggregate classification.

Literature cited by the submitters: PubMed 29861105 (cited by OMIM).

NM_020971.3(SPTBN4):c.3820G>T (p.Glu1274Ter)

Gene: SPTBN4 (spectrin beta, non-erythrocytic 4; plus strand). Cytogenetic location: 19q13.2.
Variant type: single nucleotide variant.
Coding change: c.3820G>T on transcript NM_020971.3 (MANE Select); coding-DNA position 3820, G replaced by T.
Protein change: p.Glu1274Ter; replaces glutamic acid 1274 with a stop codon.
Molecular consequence: nonsense.
Genome position (GRCh38, 1-based): chr19:40,523,602, G>T. VCF-style: chr19-40523602-G-T. GRCh37 (hg19) VCF-style: chr19-41029509-G-T.
Other names: short protein forms E1274*.
Identifiers: ClinVar variation 559545 (VCV000559545.1), dbSNP rs1555818396, ClinGen allele CA405918190.
Genomic context (GRCh38, chr19:40,523,602, plus strand): 5'-AAGATGCAGGTGGCCGTGCAGGCTGCAGAGGGCCTGCTGAGGCAGGGCAACATCTACGGG[G>T]AGCAGGCTCAGGAGGCTGTGACCCGGCTGCTGGAGAAGTAGGTCCCCTAGACCCATCCAC-3'